The following is an entry in ClinVar:

NC_000012.12:g.40511005C>A

Gene: MUC19 (mucin 19, oligomeric (gene/pseudogene); plus strand). Cytogenetic location: 12q12.
Variant type: single nucleotide variant.
Genome position: GRCh38 VCF-style: chr12-40511005-C-A. GRCh37 (hg19) VCF-style: chr12-40904807-C-A.
Identifiers: ClinVar variation 2642882 (VCV002642882.24), dbSNP rs1939001558, ClinGen allele CA946826724.

ClinVar aggregate classification (germline): Likely benign (1 of 4 stars; one submission).

Allele frequency attached by ClinVar (database versions not stated): gnomAD 0.00001.

Submission:

CeGaT Center for Human Genetics Tuebingen
Classification: Likely benign. Last evaluated: 2022-09-01. Review status: criteria provided, single submitter. Criteria: CeGaT Center For Human Genetics Tuebingen Variant Classification Criteria Version 2. Collection method: clinical testing. Allele origin: germline. Affected: yes. Observed: 1 variant allele.
Comment: MUC19: BP4, BP7